The following is an entry in ClinVar:

NM_000037.4(ANK1):c.5395-1286C>T

Gene: ANK1 (ankyrin 1; minus strand). Cytogenetic location: 8p11.21.
Variant type: single nucleotide variant.
Coding change: c.5395-1286C>T on transcript NM_000037.4 (MANE Select); 1286 bases into the intron before coding-DNA position 5395, C replaced by T.
Molecular consequence: intron variant. On other transcripts: 5 prime UTR variant (3).
Genome position (GRCh38, 1-based): chr8:41,665,028, G>A on the plus strand (C>T on the coding strand, the complement: ANK1 is on the minus strand). VCF-style: chr8-41665028-G-A. GRCh37 (hg19) VCF-style: chr8-41522546-G-A.
Other names: c.-5C>T (NM_001142445.2, NM_020478.5, NM_020480.5); c.5518-1286C>T (NM_001142446.2); c.4909-1286C>T (NM_020477.3); c.5395-1286C>T (NM_020475.3, NM_020476.3, NM_020476.2).
Identifiers: ClinVar variation 2920797 (VCV002920797.5), dbSNP rs138948238, ClinGen allele CA4727269.
Genomic context (GRCh38, chr8:41,665,028, plus strand): 5'-AGGAAGAAGCTCAGCAGCACCAGCGTGACCAACAGCTGGGTGACGAAAGTCCACATCCTC[G>A]CCTCCTCACCAGCCCGGTCCTCTGGCAGCCAGGGCCCCGGCCACCACGGGGGGCCTGCCT-3'

ClinVar aggregate classification (germline): Benign. Review status: criteria provided, single submitter (1 of 4 stars). 2 submissions from 2 submitters: Benign (1). 1 of the submissions does not count toward it. Last evaluated 2023-12-21.

Conditions:
ANK1-related disorder. Also called: ANK1-related condition.
Hereditary spherocytosis type 1. Also called: Spherocytosis type 1; ANK1-Related Spherocytosis. Identifiers: Orphanet 822, MedGen C2674218, MONDO:0008447, OMIM 182900.

Allele frequency attached by ClinVar (database versions not stated): gnomAD exomes 0.00101; gnomAD 0.00119; TOPMed 0.00128; ExAC 0.00296; 1000 Genomes Project 30x 0.00656; 1000 Genomes Project 0.00779.
gnomAD v4.1: 1,725 of 1,612,960 alleles (0.11%); highest among the groups gnomAD compares: East Asian, 2.5%; 22 homozygotes.

Submissions (7):

ARUP Laboratories, Molecular Genetics and Genomics, ARUP Laboratories
Classification: Benign for Hereditary spherocytosis type 1. Last evaluated: 2023-12-21. Review status: criteria provided, single submitter. Criteria: ARUP Molecular Germline Variant Investigation Process 2024. Collection method: clinical testing. Allele origin: germline.

PreventionGenetics, part of Exact Sciences
Classification: Benign for ANK1-related condition. Last evaluated: 2019-11-26. Review status: no assertion criteria provided. Collection method: clinical testing. Allele origin: germline. Not counted in ClinVar's aggregate classification.
Comment: This variant is classified as benign based on ACMG/AMP sequence variant interpretation guidelines (Richards et al. 2015 PMID: 25741868, with internal and published modifications).

Dr. Peter K. Rogan Lab, Western University
No classification provided (evidence only). Condition: Familial cancer of breast. Review status: no classification provided. Collection method: in vitro. Allele origin: not applicable. Functional consequence: retained intron. Not counted in ClinVar's aggregate classification.

Dr. Peter K. Rogan Lab, Western University
No classification provided (evidence only). Condition: Thymoma. Review status: no classification provided. Collection method: in vitro. Allele origin: not applicable. Functional consequence: retained intron. Not counted in ClinVar's aggregate classification.

Dr. Peter K. Rogan Lab, Western University
No classification provided (evidence only). Condition: Gastric cancer. Review status: no classification provided. Collection method: in vitro. Allele origin: not applicable. Functional consequence: retained intron. Not counted in ClinVar's aggregate classification.

Dr. Peter K. Rogan Lab, Western University
No classification provided (evidence only). Condition: Gastric cancer. Review status: no classification provided. Collection method: in vitro. Allele origin: not applicable. Functional consequence: retained intron. Not counted in ClinVar's aggregate classification.

Dr. Peter K. Rogan Lab, Western University
No classification provided (evidence only). Condition: Gastric cancer. Review status: no classification provided. Collection method: in vitro. Allele origin: not applicable. Functional consequence: retained intron. Not counted in ClinVar's aggregate classification.